The following is an entry in ClinVar:

ClinVar aggregate classification (germline): Likely pathogenic (1 of 4 stars; one submission).

Conditions:
Multiple acyl-CoA dehydrogenase deficiency (MADD). Also called: Glutaric Acidemia type 2; ETHYLMALONIC-ADIPICACIDURIA; GA II; Glutaric aciduria, type 2; Glutaric acidemia type II; GA 2. Identifiers: Orphanet 26791, MedGen C0268596, MONDO:0009282, OMIM 231680.

Allele frequency attached by ClinVar (database versions not stated): gnomAD exomes below 0.00001; ExAC 0.00001.
gnomAD v4.1: 2 of 1,613,874 alleles (0.00012%); highest among the groups gnomAD compares: Non-Finnish European, 0.00017%; no homozygotes.

Submission:

Labcorp Genetics (formerly Invitae), Labcorp
Classification: Likely pathogenic for Multiple acyl-CoA dehydrogenase deficiency. Last evaluated: 2023-01-12. Review status: criteria provided, single submitter. Criteria: Invitae Variant Classification Sherloc (09022015). Collection method: clinical testing. Allele origin: germline.
Comment: This variant has not been reported in the literature in individuals affected with ETFB-related conditions. The frequency data for this variant in the population databases is considered unreliable, as metrics indicate poor data quality at this position in the gnomAD database. This sequence change affects a donor splice site in intron 2 of the ETFB gene. It is expected to disrupt RNA splicing. Variants that disrupt the donor or acceptor splice site typically lead to a loss of protein function (PMID: 16199547), and loss-of-function variants in ETFB are known to be pathogenic (PMID: 16510302, 23785301). Algorithms developed to predict the effect of sequence changes on RNA splicing suggest that this variant may disrupt the consensus splice site. In summary, the currently available evidence indicates that the variant is pathogenic, but additional data are needed to prove that conclusively. Therefore, this variant has been classified as Likely Pathogenic.

Literature cited by the submitters: PubMed 16199547; PubMed 16510302; PubMed 23785301.

NM_001985.3(ETFB):c.216+1G>C

Gene: ETFB (electron transfer flavoprotein subunit beta; minus strand). Cytogenetic location: 19q13.41.
Variant type: single nucleotide variant.
Coding change: c.216+1G>C on transcript NM_001985.3 (MANE Select); the canonical splice donor site of the intron after coding-DNA position 216, G replaced by C.
Molecular consequence: splice donor variant.
Genome position (GRCh38, 1-based): chr19:51,354,149, C>G on the plus strand (G>C on the coding strand, the complement: ETFB is on the minus strand). VCF-style: chr19-51354149-C-G. GRCh37 (hg19) VCF-style: chr19-51857403-C-G.
Other names: c.489+1G>C (NM_001014763.1).
Identifiers: ClinVar variation 2776661 (VCV002776661.3), dbSNP rs781748603, ClinGen allele CA9610834.